The following is an entry in ClinVar:

NM_014846.4(WASHC5):c.2752C>T (p.Pro918Ser)

Genes: WASHC5 (WASH complex subunit 5; minus strand), WASHC5-AS1 (WASHC5 antisense RNA 1; plus strand). Cytogenetic location: 8q24.13.
Variant type: single nucleotide variant.
Coding change: c.2752C>T on transcript NM_014846.4 (MANE Select); coding-DNA position 2752, C replaced by T.
Protein change: p.Pro918Ser; replaces proline 918 with serine.
Molecular consequence: missense variant.
Genome position (GRCh38, 1-based): chr8:125,044,010, G>A on the plus strand (C>T on the coding strand, the complement: WASHC5 is on the minus strand). VCF-style: chr8-125044010-G-A. GRCh37 (hg19) VCF-style: chr8-126056252-G-A.
Other names: c.2308C>T, p.Pro770Ser (NM_001330609.2); c.2752C>T (NM_014846.3); short protein forms P770S, P918S.
Identifiers: ClinVar variation 989076 (VCV000989076.11), dbSNP rs367744328, ClinGen allele CA4873452.

ClinVar aggregate classification (germline): Uncertain significance. Review status: criteria provided, multiple submitters, no conflicts (2 of 4 stars). 4 submissions from 4 submitters: Uncertain significance (4). Last evaluated 2025-11-13.

Conditions:
Hereditary spastic paraplegia 8 (SPG8). Also called: SPASTIC PARAPLEGIA 8, AUTOSOMAL DOMINANT. Identifiers: Orphanet 100989, MedGen C1863704, MONDO:0011339, OMIM 603563.
Ritscher-Schinzel syndrome. Also called: CRANIOCEREBELLOCARDIAC DYSPLASIA. Identifiers: Orphanet 7, MedGen C0796137, MONDO:0019078.
Spastic paraplegia. Identifiers: MedGen C0037772, HP:0001258.

Allele frequency attached by ClinVar (database versions not stated): gnomAD 0.00004; TOPMed 0.00004; gnomAD exomes 0.00002; ESP Exome Variant Server 0.00008; ExAC 0.00003.
gnomAD v4.1: 30 of 1,612,838 alleles (0.0019%); highest among the groups gnomAD compares: Admixed American, 0.005%; no homozygotes.

Submissions (4):

Labcorp Genetics (formerly Invitae), Labcorp
Classification: Uncertain significance for Ritscher-Schinzel syndrome; Hereditary spastic paraplegia 8. Last evaluated: 2025-11-13. Review status: criteria provided, single submitter. Criteria: Invitae Variant Classification Sherloc (09022015). Collection method: clinical testing. Allele origin: germline.
Comment: This sequence change replaces proline, which is neutral and non-polar, with serine, which is neutral and polar, at codon 918 of the WASHC5 protein (p.Pro918Ser). This variant is present in population databases (rs367744328, gnomAD 0.005%). This variant has not been reported in the literature in individuals affected with WASHC5-related conditions. ClinVar contains an entry for this variant (Variation ID: 989076). Invitae Evidence Modeling of protein sequence and biophysical properties (such as structural, functional, and spatial information, amino acid conservation, physicochemical variation, residue mobility, and thermodynamic stability) indicates that this missense variant is not expected to disrupt WASHC5 protein function with a negative predictive value of 80%. In summary, the available evidence is currently insufficient to determine the role of this variant in disease. Therefore, it has been classified as a Variant of Uncertain Significance.

GeneDx
Classification: Uncertain significance. Last evaluated: 2024-07-10. Review status: criteria provided, single submitter. Criteria: GeneDx Variant Classification Process June 2021. Collection method: clinical testing. Allele origin: germline. Affected: yes.
Comment: Observed in patient with hereditary spastic paraplegia in published literature; however, additional clinical information was not provided (PMID: 34983064); In silico analysis supports that this missense variant has a deleterious effect on protein structure/function; This variant is associated with the following publications: (PMID: 34983064)

Athena Diagnostics
Classification: Uncertain significance. Last evaluated: 2021-10-29. Review status: criteria provided, single submitter. Criteria: Athena Diagnostics Criteria. Collection method: clinical testing. Allele origin: unknown.

Paris Brain Institute, Inserm - ICM
Classification: Uncertain significance for Spastic paraplegia. Review status: criteria provided, single submitter. Criteria: ACMG Guidelines, 2015. Collection method: clinical testing. Allele origin: unknown. Affected: yes. Observed: 1 variant allele.